The following is an entry in ClinVar:

ClinVar aggregate classification (germline): Likely pathogenic (1 of 4 stars; one submission).

Conditions:
COL4A2-related disorder. Also called: COL4A2-related disorders; COL4A2-related condition.

Submission:

Greenwood Genetic Center Diagnostic Laboratories, Greenwood Genetic Center
Classification: Likely pathogenic for COL4A2-related disorder. Last evaluated: 2022-10-03. Review status: criteria provided, single submitter. Criteria: ACMG Guidelines, 2015. Collection method: clinical testing. Allele origin: germline. Affected: yes.
Comment: PVS1, PM2

NM_001846.4(COL4A2):c.274G>T (p.Glu92Ter)

Gene: COL4A2 (collagen type IV alpha 2 chain; plus strand). Cytogenetic location: 13q34.
Variant type: single nucleotide variant.
Coding change: c.274G>T on transcript NM_001846.4 (MANE Select); coding-DNA position 274, G replaced by T.
Protein change: p.Glu92Ter; replaces glutamic acid 92 with a stop codon.
Molecular consequence: nonsense.
Genome position (GRCh38, 1-based): chr13:110,424,827, G>T. VCF-style: chr13-110424827-G-T. GRCh37 (hg19) VCF-style: chr13-111077174-G-T.
Other names: short protein forms E92*.
Identifiers: ClinVar variation 2429055 (VCV002429055.3), dbSNP rs2502050500, ClinGen allele CA388728060.
Genomic context (GRCh38, chr13:110,424,827, plus strand): 5'-AATGGGCCACCAGGATTACAAGGATTCCCGGGACTGCAGGGACGTAAAGGAGACAAGGGT[G>T]AAAGGGGAGCCCCCGGAGTAACGGGACCCAAGGGCGACGTGGTACGCACCGCTGGTGTAT-3'